The following is an entry in ClinVar:

NM_003072.5(SMARCA4):c.691G>T (p.Gly231Cys)

Gene: SMARCA4 (SWI/SNF related BAF chromatin remodeling complex subunit ATPase 4; plus strand). Cytogenetic location: 19p13.2.
Variant type: single nucleotide variant.
Coding change: c.691G>T on transcript NM_003072.5 (MANE Select); coding-DNA position 691, G replaced by T.
Protein change: p.Gly231Cys; replaces glycine 231 with cysteine.
Molecular consequence: missense variant. On other transcripts: non-coding transcript variant (1).
Genome position (GRCh38, 1-based): chr19:10,986,524, G>T. VCF-style: chr19-10986524-G-T. GRCh37 (hg19) VCF-style: chr19-11097200-G-T.
Other names: c.691G>T, p.Gly231Cys (NM_001128844.3, NM_001128845.2, NM_001128846.2 and 4 more transcripts); short protein forms G231C.
Identifiers: ClinVar variation 855570 (VCV000855570.12), dbSNP rs555467836, ClinGen allele CA404057017.

ClinVar aggregate classification (germline): Uncertain significance. Review status: criteria provided, multiple submitters, no conflicts (2 of 4 stars). 2 submissions from 2 submitters: Uncertain significance (2). Last evaluated 2025-09-01.

Conditions:
Rhabdoid tumor predisposition syndrome 2 (RTPS2). Identifiers: Orphanet 231108, Orphanet 69077, MedGen C2750074, MONDO:0013224, OMIM 613325.
Hereditary cancer-predisposing syndrome. Also called: Tumor predisposition; Hereditary neoplastic syndrome; Neoplastic Syndromes, Hereditary; Hereditary Cancer Syndrome. Identifiers: Orphanet 140162, MedGen C0027672, MeSH D009386, MONDO:0015356.

Submissions (2):

Labcorp Genetics (formerly Invitae), Labcorp
Classification: Uncertain significance for Rhabdoid tumor predisposition syndrome 2. Last evaluated: 2025-09-01. Review status: criteria provided, single submitter. Criteria: Invitae Variant Classification Sherloc (09022015). Collection method: clinical testing. Allele origin: germline.
Comment: This sequence change replaces glycine, which is neutral and non-polar, with cysteine, which is neutral and slightly polar, at codon 231 of the SMARCA4 protein (p.Gly231Cys). This variant is not present in population databases (gnomAD no frequency). This variant has not been reported in the literature in individuals affected with SMARCA4-related conditions. ClinVar contains an entry for this variant (Variation ID: 855570). An algorithm developed to predict the effect of missense changes on protein structure and function (PolyPhen-2) suggests that this variant is likely to be disruptive. In summary, the available evidence is currently insufficient to determine the role of this variant in disease. Therefore, it has been classified as a Variant of Uncertain Significance.

Ambry Genetics
Classification: Uncertain significance for Hereditary cancer-predisposing syndrome. Last evaluated: 2021-05-06. Review status: criteria provided, single submitter. Criteria: Ambry Variant Classification Scheme 2023. Collection method: clinical testing. Allele origin: germline.
Comment: The p.G231C variant (also known as c.691G>T), located in coding exon 3 of the SMARCA4 gene, results from a G to T substitution at nucleotide position 691. The glycine at codon 231 is replaced by cysteine, an amino acid with highly dissimilar properties. Missense and in-frame variants in SMARCA4 are known to cause neurodevelopmental disorders; however, such associations with rhabdoid tumor predisposition syndrome including small cell carcinoma of the ovary-hypercalcemic type (SCCOHT) are exceedingly rare (Kosho T et al. Am J Med Genet C Semin Med Genet. 2014 Sep;166C(3):262-75; Jelinic P et al. Nat Genet. 2014 May;46(5):424-6). This amino acid position is highly conserved in available vertebrate species. In addition, the in silico prediction for this alteration is inconclusive. Based on the supporting evidence, the association of this alteration with Coffin-Siris syndrome is unknown; however, the association of this alteration with rhabdoid tumor predisposition syndrome is unlikely.